The following is an entry in ClinVar:

NM_205836.3(FBXO38):c.157A>G (p.Met53Val)

Gene: FBXO38 (F-box protein 38; plus strand). Cytogenetic location: 5q32.
Variant type: single nucleotide variant.
Coding change: c.157A>G on transcript NM_205836.3 (MANE Select); coding-DNA position 157, A replaced by G.
Protein change: p.Met53Val; replaces methionine 53 with valine.
Molecular consequence: missense variant.
Genome position (GRCh38, 1-based): chr5:148,399,027, A>G. VCF-style: chr5-148399027-A-G. GRCh37 (hg19) VCF-style: chr5-147778590-A-G.
Other names: p.Met53Val; c.157A>G, p.Met53Val (NM_001271723.2, NM_030793.5); short protein forms M53V.
Identifiers: ClinVar variation 1693902 (VCV001693902.10), dbSNP rs1361110357, ClinGen allele CA361654115.

ClinVar aggregate classification (germline): Uncertain significance. Review status: criteria provided, multiple submitters, no conflicts (2 of 4 stars). 3 submissions from 3 submitters: Uncertain significance (3). Last evaluated 2025-04-30.

Conditions:
Distal hereditary motor neuropathy type 2. Identifiers: Orphanet 139525, MedGen C3711384, MeSH C580044, MONDO:0015352.

Allele frequency attached by ClinVar (database versions not stated): gnomAD exomes below 0.00001 and 0.00002; gnomAD 0.00001.
gnomAD v4.1: 25 of 1,613,404 alleles (0.0015%); highest among the groups gnomAD compares: Non-Finnish European, 0.0021%; no homozygotes.

Submissions (3):

GeneDx
Classification: Uncertain significance. Last evaluated: 2025-04-30. Review status: criteria provided, single submitter. Criteria: GeneDx Variant Classification Process June 2021. Collection method: clinical testing. Allele origin: germline. Affected: yes.
Comment: Not observed at significant frequency in large population cohorts (gnomAD); In silico analysis indicates that this missense variant does not alter protein structure/function; Has not been previously published as pathogenic or benign to our knowledge

Labcorp Genetics (formerly Invitae), Labcorp
Classification: Uncertain significance for Distal hereditary motor neuropathy type 2. Last evaluated: 2022-10-10. Review status: criteria provided, single submitter. Criteria: Invitae Variant Classification Sherloc (09022015). Collection method: clinical testing. Allele origin: germline.
Comment: This variant is present in population databases (no rsID available, gnomAD 0.002%). This sequence change replaces methionine, which is neutral and non-polar, with valine, which is neutral and non-polar, at codon 53 of the FBXO38 protein (p.Met53Val). In summary, the available evidence is currently insufficient to determine the role of this variant in disease. Therefore, it has been classified as a Variant of Uncertain Significance. Advanced modeling of protein sequence and biophysical properties (such as structural, functional, and spatial information, amino acid conservation, physicochemical variation, residue mobility, and thermodynamic stability) has been performed at Invitae for this missense variant, however the output from this modeling did not meet the statistical confidence thresholds required to predict the impact of this variant on FBXO38 protein function. ClinVar contains an entry for this variant (Variation ID: 1693902). This variant has not been reported in the literature in individuals affected with FBXO38-related conditions.

Mayo Clinic Laboratories, Mayo Clinic
Classification: Uncertain significance. Last evaluated: 2021-06-10. Review status: criteria provided, single submitter. Criteria: ACMG Guidelines, 2015. Collection method: clinical testing. Allele origin: germline.